The following is an entry in ClinVar:

NM_006231.4(POLE):c.595G>C (p.Gly199Arg)

Gene: POLE (DNA polymerase epsilon, catalytic subunit; minus strand). Cytogenetic location: 12q24.33.
Variant type: single nucleotide variant.
Coding change: c.595G>C on transcript NM_006231.4 (MANE Select); coding-DNA position 595, G replaced by C.
Protein change: p.Gly199Arg; replaces glycine 199 with arginine.
Molecular consequence: missense variant.
Genome position (GRCh38, 1-based): chr12:132,677,703, C>G on the plus strand (G>C on the coding strand, the complement: POLE is on the minus strand). VCF-style: chr12-132677703-C-G. GRCh37 (hg19) VCF-style: chr12-133254289-C-G.
Other names: short protein forms G199R.
Identifiers: ClinVar variation 4141167 (VCV004141167.2).
Genomic context (GRCh38, chr12:132,677,703, plus strand): 5'-CAATGTTGTCCAACTGGTCAGCTATCTTCTTAGAGGTTTCCTCTTCATCAGTAATGACAC[C>G]GCCCCTCTGCAGAACACTAGGAATTAACAAGAGAGCAACTAACTCAGCTGCCAGGGTCTG-3'
Protein context (NP_006222.2, residues 189-209): ALLSSVLQRG[Gly199Arg]VITDEEETSK

ClinVar aggregate classification (germline): Uncertain significance. Review status: criteria provided, multiple submitters, no conflicts (2 of 4 stars). 2 submissions from 2 submitters: Uncertain significance (2). Last evaluated 2026-01-11.

Conditions:
Hereditary cancer-predisposing syndrome. Also called: Hereditary neoplastic syndrome; Neoplastic Syndromes, Hereditary; Tumor predisposition; Hereditary Cancer Syndrome. Identifiers: Orphanet 140162, MedGen C0027672, MeSH D009386, MONDO:0015356.

Submissions (2):

Labcorp Genetics (formerly Invitae), Labcorp
Classification: Uncertain significance. Last evaluated: 2026-01-11. Review status: criteria provided, single submitter. Criteria: Invitae Variant Classification Sherloc (09022015). Collection method: clinical testing. Allele origin: germline.
Comment: This sequence change replaces glycine, which is neutral and non-polar, with arginine, which is basic and polar, at codon 199 of the POLE protein (p.Gly199Arg). This variant is not present in population databases (gnomAD no frequency). This variant has not been reported in the literature in individuals affected with POLE-related conditions. ClinVar contains an entry for this variant (Variation ID: 4141167). An algorithm developed to predict the effect of missense changes on protein structure and function (PolyPhen-2) suggests that this variant is likely to be tolerated. In summary, the available evidence is currently insufficient to determine the role of this variant in disease. Therefore, it has been classified as a Variant of Uncertain Significance.

Ambry Genetics
Classification: Uncertain significance for Hereditary cancer-predisposing syndrome. Last evaluated: 2025-07-19. Review status: criteria provided, single submitter. Criteria: Ambry Variant Classification Scheme 2023. Collection method: clinical testing. Allele origin: germline.
Comment: The p.G199R variant (also known as c.595G>C), located in coding exon 7 of the POLE gene, results from a G to C substitution at nucleotide position 595. The glycine at codon 199 is replaced by arginine, an amino acid with dissimilar properties. This amino acid position is conserved. In addition, this alteration is predicted to be tolerated by in silico analysis. Based on the available evidence, the clinical significance of this variant remains unclear.